The following is an entry in ClinVar:

NM_001734.5(C1S):c.1223G>A (p.Ser408Asn)

Gene: C1S (complement C1s; plus strand). Cytogenetic location: 12p13.31.
Variant type: single nucleotide variant.
Coding change: c.1223G>A on transcript NM_001734.5 (MANE Select); coding-DNA position 1223, G replaced by A.
Protein change: p.Ser408Asn; replaces serine 408 with asparagine.
Molecular consequence: missense variant.
Genome position (GRCh38, 1-based): chr12:7,068,483, G>A. VCF-style: chr12-7068483-G-A. GRCh37 (hg19) VCF-style: chr12-7175787-G-A.
Other names: c.722G>A, p.Ser241Asn (NM_001346850.2); c.1223G>A, p.Ser408Asn (NM_201442.4); short protein forms S241N, S408N.
Identifiers: ClinVar variation 1910175 (VCV001910175.5), dbSNP rs142773314, ClinGen allele CA232456400.

ClinVar aggregate classification (germline): Uncertain significance (1 of 4 stars; one submission).

Allele frequency attached by ClinVar (database versions not stated): gnomAD 0.00001; TOPMed 0.00001; gnomAD exomes 0.00002; ESP Exome Variant Server 0.00008.

Submission:

Labcorp Genetics (formerly Invitae), Labcorp
Classification: Uncertain significance. Last evaluated: 2025-07-27. Review status: criteria provided, single submitter. Criteria: Invitae Variant Classification Sherloc (09022015). Collection method: clinical testing. Allele origin: germline.
Comment: This sequence change replaces serine, which is neutral and polar, with asparagine, which is neutral and polar, at codon 408 of the C1S protein (p.Ser408Asn). This variant is present in population databases (rs142773314, gnomAD 0.003%). This variant has not been reported in the literature in individuals affected with C1S-related conditions. ClinVar contains an entry for this variant (Variation ID: 1910175). Invitae Evidence Modeling of protein sequence and biophysical properties (such as structural, functional, and spatial information, amino acid conservation, physicochemical variation, residue mobility, and thermodynamic stability) indicates that this missense variant is not expected to disrupt C1S protein function with a negative predictive value of 80%. In summary, the available evidence is currently insufficient to determine the role of this variant in disease. Therefore, it has been classified as a Variant of Uncertain Significance.